The following is an entry in ClinVar:

NM_018238.4(AGK):c.588+211A>T

Gene: AGK (acylglycerol kinase; plus strand). Cytogenetic location: 7q34.
Variant type: single nucleotide variant.
Coding change: c.588+211A>T on transcript NM_018238.4 (MANE Select); 211 bases into the intron after coding-DNA position 588, A replaced by T.
Molecular consequence: intron variant.
Genome position (GRCh38, 1-based): chr7:141,622,012, A>T. VCF-style: chr7-141622012-A-T. GRCh37 (hg19) VCF-style: chr7-141321812-A-T.
Other names: c.588+211A>T (NM_001364948.3).
Identifiers: ClinVar variation 669756 (VCV000669756.1), dbSNP rs35777666, ClinGen allele CA168048710.

ClinVar aggregate classification (germline): Benign (1 of 4 stars; one submission).

Allele frequency attached by ClinVar (database versions not stated): gnomAD 0.03218 and 0.03558; TOPMed 0.03494; 1000 Genomes Project 0.05791; 1000 Genomes Project 30x 0.05809.
gnomAD v4.1: 5,376 of 152,246 alleles (3.5%); highest among the groups gnomAD compares: South Asian, 14%; 149 homozygotes.

Submission:

GeneDx
Classification: Benign. Last evaluated: 2018-06-14. Review status: criteria provided, single submitter. Criteria: GeneDx Variant Classification (06012015). Collection method: clinical testing. Allele origin: germline. Affected: yes.
Comment: This variant is considered likely benign or benign based on one or more of the following criteria: it is a conservative change, it occurs at a poorly conserved position in the protein, it is predicted to be benign by multiple in silico algorithms, and/or has population frequency not consistent with disease.